The following is an entry in ClinVar:

NM_001987.5(ETV6):c.963del (p.Val322fs)

Gene: ETV6 (ETS variant transcription factor 6; plus strand). Cytogenetic location: 12p13.2.
Variant type: Deletion.
Coding change: c.963del on transcript NM_001987.5 (MANE Select); coding-DNA position 963, one base deleted (T; older notation c.963delT).
Protein change: p.Val322fs; shifts the reading frame from valine 322.
Molecular consequence: frameshift variant.
Genome position (GRCh38, 1-based): chr12:11,869,923, T deleted. VCF-style (leftmost placement, unchanged base first): chr12-11869922-CT-C. GRCh37 (hg19) VCF-style: chr12-12022856-CT-C.
Other names: c.960del, p.Val321fs (NM_001413913.1); c.936del, p.Val313fs (NM_001413914.1); c.699del, p.Val234fs (NM_001413915.1); c.963del, p.Val322fs (NM_001413916.1, NM_001413917.1); short protein forms V313fs, V321fs, V234fs, V322fs.
Identifiers: ClinVar variation 3846522 (VCV003846522.1).

ClinVar aggregate classification (germline): Pathogenic (1 of 4 stars; one submission).

Conditions:
Inborn genetic diseases. Identifiers: MedGen C0950123, MeSH D030342.

Submission:

Ambry Genetics
Classification: Pathogenic for Inborn genetic diseases. Last evaluated: 2025-02-13. Review status: criteria provided, single submitter. Criteria: Ambry Variant Classification Scheme 2023. Collection method: clinical testing. Allele origin: germline.
Comment: The c.963delT pathogenic mutation, located in coding exon 5 of the ETV6 gene, results from a deletion of one nucleotide at nucleotide position 963, causing a translational frameshift with a predicted alternate stop codon (p.V322Sfs*14). This variant is considered to be rare based on population cohorts in the Genome Aggregation Database (gnomAD). This alteration is expected to result in loss of function by premature protein truncation or nonsense-mediated mRNA decay. As such, this alteration is interpreted as a disease-causing mutation.